The following is an entry in ClinVar:

ClinVar aggregate classification (germline): Benign/Likely benign. Review status: criteria provided, multiple submitters, no conflicts (2 of 4 stars). 2 submissions from 2 submitters: Benign (1); Likely benign (1). Last evaluated 2026-06-11.

Conditions:
ABCD3-related disorder. Also called: ABCD3-related condition.

Submissions (2):

PreventionGenetics, part of Exact Sciences
Classification: Likely benign for ABCD3-related condition. Last evaluated: 2026-06-11. Review status: criteria provided, single submitter. Criteria: ACMG Guidelines, 2015. Collection method: clinical testing. Allele origin: germline.
Comment: This variant is classified as likely benign based on ACMG/AMP sequence variant interpretation guidelines (Richards et al. 2015 PMID: 25741868, with internal and published modifications).

Labcorp Genetics (formerly Invitae), Labcorp
Classification: Benign. Last evaluated: 2023-08-30. Review status: criteria provided, single submitter. Criteria: Invitae Variant Classification Sherloc (09022015). Collection method: clinical testing. Allele origin: germline.

NM_002858.4(ABCD3):c.1249+7_1249+8del

Gene: ABCD3 (ATP binding cassette subfamily D member 3; plus strand). Cytogenetic location: 1p21.3.
Variant type: Microsatellite.
Coding change: c.1249+7_1249+8del on transcript NM_002858.4 (MANE Select); bases 7 to 8 of the intron after coding-DNA position 1249, 2 bases deleted (AT; older notation c.1249+7_1249+8delAT).
Molecular consequence: intron variant.
Genome position (GRCh38, 1-based): chr1:94,489,823-94,489,824, AT deleted; deleting any 2 consecutive bases within chr1:94,489,821-94,489,824 gives the same sequence; the c. name uses the placement nearest the transcript's 3' end. VCF-style (leftmost placement, unchanged base first): chr1-94489820-AAT-A. GRCh37 (hg19) VCF-style: chr1-94955376-AAT-A.
Other names: c.1249+7_1249+8delAT (NM_002858.3).
Identifiers: ClinVar variation 1665068 (VCV001665068.9), dbSNP rs372495420, ClinGen allele CA960364.
Genomic context (GRCh38, chr1:94,489,820, plus strand): 5'-TGAAGGATTTAAATCATGGCAAATATGAGCGCACAATGGTCTCACAACAGGAAAAGGGTA[AAT>A]ATGAGTGTCACAGTTTAAGGTCACAATTTTAAGTGTTTGCTGACATAATATGATGCTTTA-3'